The following is an entry in ClinVar:

ClinVar aggregate classification (germline): Uncertain significance (1 of 4 stars; one submission).

Conditions:
Cardiovascular phenotype. Identifiers: MedGen CN230736.

Allele frequency attached by ClinVar (database versions not stated): ExAC 0.00001; gnomAD 0.00001; TOPMed 0.00001.

Submission:

Ambry Genetics
Classification: Uncertain significance for Cardiovascular phenotype. Last evaluated: 2019-11-08. Review status: criteria provided, single submitter. Criteria: Ambry Variant Classification Scheme 2023. Collection method: clinical testing. Allele origin: germline.
Comment: The p.A9490V variant (also known as c.28469C>T), located in coding exon 114 of the TTN gene, results from a C to T substitution at nucleotide position 28469. The alanine at codon 9490 is replaced by valine, an amino acid with similar properties. This amino acid position is highly conserved in available vertebrate species. In addition, the in silico prediction for this alteration is inconclusive. Since supporting evidence is limited at this time, the clinical significance of this alteration remains unclear.

NM_001267550.2(TTN):c.55664C>T (p.Ala18555Val)

Genes: TTN (titin; minus strand), TTN-AS1 (TTN antisense RNA 1; plus strand). Cytogenetic location: 2q31.2.
Variant type: single nucleotide variant.
Coding change: c.55664C>T on transcript NM_001267550.2 (MANE Select); coding-DNA position 55664, C replaced by T.
Protein change: p.Ala18555Val; replaces alanine 18555 with valine.
Molecular consequence: missense variant.
Genome position (GRCh38, 1-based): chr2:178,601,333, G>A on the plus strand (C>T on the coding strand, the complement: TTN is on the minus strand). VCF-style: chr2-178601333-G-A. GRCh37 (hg19) VCF-style: chr2-179466060-G-A.
Other names: c.50741C>T, p.Ala16914Val (NM_001256850.1); c.28469C>T, p.Ala9490Val (NM_003319.4); c.47960C>T, p.Ala15987Val (NM_133378.4); c.28844C>T, p.Ala9615Val (NM_133432.3); c.29045C>T, p.Ala9682Val (NM_133437.4); short protein forms A16914V, A9490V, A9615V, A15987V, A18555V, A9682V.
Identifiers: ClinVar variation 1796769 (VCV001796769.2), dbSNP rs759902646, ClinGen allele CA1993414.